The following is an entry in ClinVar:

NM_058216.3(RAD51C):c.111A>G (p.Glu37=)

Gene: RAD51C (RAD51 paralog C; plus strand). Cytogenetic location: 17q22.
Variant type: single nucleotide variant.
Coding change: c.111A>G on transcript NM_058216.3 (MANE Select); coding-DNA position 111, A replaced by G.
Protein change: p.Glu37=; no amino-acid change (glutamic acid 37 retained).
Molecular consequence: synonymous variant. On other transcripts: non-coding transcript variant (1).
Genome position (GRCh38, 1-based): chr17:58,692,754, A>G. VCF-style: chr17-58692754-A-G. GRCh37 (hg19) VCF-style: chr17-56770115-A-G.
Other names: c.111A>G, p.Glu37= (NM_002876.4); c.111A>G (NM_058216.1).
Identifiers: ClinVar variation 1138967 (VCV001138967.11), dbSNP rs1365140814, ClinGen allele CA501074383.

ClinVar aggregate classification (germline): Benign/Likely benign. Review status: criteria provided, multiple submitters, no conflicts (2 of 4 stars). 3 submissions from 3 submitters: Benign (1); Likely benign (2). Last evaluated 2025-12-02.

Conditions:
Hereditary cancer-predisposing syndrome. Also called: Neoplastic Syndromes, Hereditary; Hereditary neoplastic syndrome; Tumor predisposition; Hereditary Cancer Syndrome. Identifiers: Orphanet 140162, MedGen C0027672, MeSH D009386, MONDO:0015356.
Fanconi anemia complementation group O. Also called: RAD51C-Related Fanconi Anemia. Identifiers: Orphanet 84, MedGen C3150653, MONDO:0013248, OMIM 613390.
Breast-ovarian cancer, familial, susceptibility to, 3. Also called: RAD51C-Related Breast/Ovarian Cancer. Identifiers: Orphanet 145, MedGen C3150659, MONDO:0013253, OMIM 613399.

Allele frequency attached by ClinVar (database versions not stated): gnomAD exomes below 0.00001.
gnomAD v4.1: 1 of 1,613,966 alleles (0.000062%); highest among the groups gnomAD compares: Non-Finnish European, 0.000085%; no homozygotes.

Submissions (3):

Labcorp Genetics (formerly Invitae), Labcorp
Classification: Likely benign for Fanconi anemia complementation group O. Last evaluated: 2025-12-02. Review status: criteria provided, single submitter. Criteria: Invitae Variant Classification Sherloc (09022015). Collection method: clinical testing. Allele origin: germline.

Myriad Genetics, Inc.
Classification: Benign for Breast-ovarian cancer, familial, susceptibility to, 3. Last evaluated: 2025-02-14. Review status: criteria provided, single submitter. Criteria: Myriad Autosomal Dominant, Autosomal Recessive and X-Linked Classification Criteria (2023). Collection method: clinical testing. Allele origin: unknown.
Comment: This variant is considered benign. This variant is a silent/synonymous amino acid change and it is not expected to impact splicing.

Ambry Genetics
Classification: Likely benign for Hereditary cancer-predisposing syndrome. Last evaluated: 2023-07-16. Review status: criteria provided, single submitter. Criteria: Ambry Variant Classification Scheme 2023. Collection method: clinical testing. Allele origin: germline.